The following is an entry in ClinVar:

ClinVar aggregate classification (germline): Uncertain significance (1 of 4 stars; one submission).

Submission:

Labcorp Genetics (formerly Invitae), Labcorp
Classification: Uncertain significance. Last evaluated: 2022-12-02. Review status: criteria provided, single submitter. Criteria: Invitae Variant Classification Sherloc (09022015). Collection method: clinical testing. Allele origin: germline.
Comment: ClinVar contains an entry for this variant (Variation ID: 1503453). Algorithms developed to predict the effect of missense changes on protein structure and function (SIFT, PolyPhen-2, Align-GVGD) all suggest that this variant is likely to be disruptive. In summary, the available evidence is currently insufficient to determine the role of this variant in disease. Therefore, it has been classified as a Variant of Uncertain Significance. This sequence change replaces glutamic acid, which is acidic and polar, with glutamine, which is neutral and polar, at codon 665 of the LRRC8A protein (p.Glu665Gln). This variant is not present in population databases (gnomAD no frequency). This variant has not been reported in the literature in individuals affected with LRRC8A-related conditions.

NM_019594.4(LRRC8A):c.1993G>C (p.Glu665Gln)

Gene: LRRC8A (leucine rich repeat containing 8 VRAC subunit A; plus strand). Cytogenetic location: 9q34.11.
Variant type: single nucleotide variant.
Coding change: c.1993G>C on transcript NM_019594.4 (MANE Select); coding-DNA position 1993, G replaced by C.
Protein change: p.Glu665Gln; replaces glutamic acid 665 with glutamine.
Molecular consequence: missense variant.
Genome position (GRCh38, 1-based): chr9:128,909,157, G>C. VCF-style: chr9-128909157-G-C. GRCh37 (hg19) VCF-style: chr9-131671436-G-C.
Other names: c.1993G>C, p.Glu665Gln (NM_001127244.2, NM_001127245.2); short protein forms E665Q.
Identifiers: ClinVar variation 1503453 (VCV001503453.8), dbSNP rs2131026575, ClinGen allele CA375085979.